The following is an entry in ClinVar:

NM_000426.4(LAMA2):c.2122G>A (p.Ala708Thr)

Gene: LAMA2 (laminin subunit alpha 2; plus strand). Cytogenetic location: 6q22.33.
Variant type: single nucleotide variant.
Coding change: c.2122G>A on transcript NM_000426.4 (MANE Select); coding-DNA position 2122, G replaced by A.
Protein change: p.Ala708Thr; replaces alanine 708 with threonine.
Molecular consequence: missense variant.
Genome position (GRCh38, 1-based): chr6:129,260,736, G>A. VCF-style: chr6-129260736-G-A. GRCh37 (hg19) VCF-style: chr6-129581881-G-A.
Other names: c.2122G>A, p.Ala708Thr (NM_001079823.2); short protein forms A708T.
Identifiers: ClinVar variation 435711 (VCV000435711.7), dbSNP rs777765933, ClinGen allele CA3992836.

ClinVar aggregate classification (germline): Uncertain significance. Review status: criteria provided, multiple submitters, no conflicts (2 of 4 stars). 2 submissions from 2 submitters: Uncertain significance (2). Last evaluated 2021-08-31.

Conditions:
LAMA2-related muscular dystrophy (LAMA2-RD). Also called: Laminin alpha 2-related dystrophy. Identifiers: MedGen C5679788, MONDO:0100228.

Allele frequency attached by ClinVar (database versions not stated): gnomAD exomes below 0.00001; ExAC 0.00001; gnomAD 0.00001; TOPMed 0.00001.
gnomAD v4.1: 5 of 1,611,454 alleles (0.00031%); highest among the groups gnomAD compares: Non-Finnish European, 0.00042%; no homozygotes.

Submissions (2):

Labcorp Genetics (formerly Invitae), Labcorp
Classification: Uncertain significance for LAMA2-related muscular dystrophy. Last evaluated: 2021-08-31. Review status: criteria provided, single submitter. Criteria: Invitae Variant Classification Sherloc (09022015). Collection method: clinical testing. Allele origin: germline.
Comment: This sequence change replaces alanine with threonine at codon 708 of the LAMA2 protein (p.Ala708Thr). The alanine residue is moderately conserved and there is a small physicochemical difference between alanine and threonine. This variant is present in population databases (rs777765933, ExAC 0.001%). This variant has not been reported in the literature in individuals affected with LAMA2-related conditions. ClinVar contains an entry for this variant (Variation ID: 435711). Algorithms developed to predict the effect of missense changes on protein structure and function are either unavailable or do not agree on the potential impact of this missense change (SIFT: "Deleterious"; PolyPhen-2: "Possibly Damaging"; Align-GVGD: "Class C0"). In summary, the available evidence is currently insufficient to determine the role of this variant in disease. Therefore, it has been classified as a Variant of Uncertain Significance.

Genetic Services Laboratory, University of Chicago
Classification: Uncertain significance. Last evaluated: 2016-05-18. Review status: criteria provided, single submitter. Criteria: ACMG Guidelines, 2015. Collection method: clinical testing. Allele origin: germline. Affected: no.